The following is an entry in ClinVar:

NM_021830.5(TWNK):c.1868A>G (p.Lys623Arg)

Gene: TWNK (twinkle mtDNA helicase; plus strand). Cytogenetic location: 10q24.31.
Variant type: single nucleotide variant.
Coding change: c.1868A>G on transcript NM_021830.5 (MANE Select); coding-DNA position 1868, A replaced by G.
Protein change: p.Lys623Arg; replaces lysine 623 with arginine.
Molecular consequence: missense variant. On other transcripts: 3 prime UTR variant (2), non-coding transcript variant (5).
Genome position (GRCh38, 1-based): chr10:100,993,323, A>G. VCF-style: chr10-100993323-A-G. GRCh37 (hg19) VCF-style: chr10-102753080-A-G.
Other names: c.*163A>G (NM_001163812.2, NM_001163814.2); c.506A>G, p.Lys169Arg (NM_001163813.2, NM_001368275.1); short protein forms K169R, K623R.
Identifiers: ClinVar variation 1930217 (VCV001930217.8), dbSNP rs913331026, ClinGen allele CA212965383.

ClinVar aggregate classification (germline): Uncertain significance. Review status: criteria provided, multiple submitters, no conflicts (2 of 4 stars). 3 submissions from 3 submitters: Uncertain significance (3). Last evaluated 2025-06-17.

Allele frequency attached by ClinVar (database versions not stated): gnomAD exomes below 0.00001.
gnomAD v4.1: 2 of 1,614,230 alleles (0.00012%); highest among the groups gnomAD compares: Admixed American, 0.0017%; no homozygotes.

Submissions (3):

Dasa
Classification: Uncertain significance. Last evaluated: 2025-06-17. Review status: criteria provided, single submitter. Criteria: DASA Assertion Criteria. Collection method: clinical testing. Allele origin: germline.
Comment: NM_021830.5(TWNK):c.1868A>G (p.Lys623Arg) is a missense variant that results in the substitution of lysine with arginine. This variant is rare in population databases. Computational prediction algorithms are consistent with a benign effect. The currently available literature and clinical evidence are not sufficient to establish a definitive association between this variant and the reported condition. Therefore, this variant is classified as a variant of uncertain significance.

Labcorp Genetics (formerly Invitae), Labcorp
Classification: Uncertain significance. Last evaluated: 2024-11-11. Review status: criteria provided, single submitter. Criteria: Invitae Variant Classification Sherloc (09022015). Collection method: clinical testing. Allele origin: germline.
Comment: This sequence change replaces lysine, which is basic and polar, with arginine, which is basic and polar, at codon 623 of the TWNK protein (p.Lys623Arg). This variant is not present in population databases (gnomAD no frequency). This variant has not been reported in the literature in individuals affected with TWNK-related conditions. ClinVar contains an entry for this variant (Variation ID: 1930217). Invitae Evidence Modeling of protein sequence and biophysical properties (such as structural, functional, and spatial information, amino acid conservation, physicochemical variation, residue mobility, and thermodynamic stability) has been performed for this missense variant. However, the output from this modeling did not meet the statistical confidence thresholds required to predict the impact of this variant on TWNK protein function. In summary, the available evidence is currently insufficient to determine the role of this variant in disease. Therefore, it has been classified as a Variant of Uncertain Significance.

Blueprint Genetics
Classification: Uncertain significance. Last evaluated: 2021-06-14. Review status: criteria provided, single submitter. Criteria: ACMG Guidelines, 2015. Collection method: clinical testing. Allele origin: germline.